The following is an entry in ClinVar:

NM_021008.4(DEAF1):c.1016_1022delinsTGGG (p.Gly339_Ile341delinsValGly)

Gene: DEAF1 (DEAF1 transcription factor; minus strand). Cytogenetic location: 11p15.5.
Variant type: Indel.
Coding change: c.1016_1022delinsTGGG on transcript NM_021008.4 (MANE Select); coding-DNA positions 1016 to 1022, GACAGAT replaced by TGGG.
Protein change: p.Gly339_Ile341delinsValGly.
Molecular consequence: inframe indel.
Genome position (GRCh38, 1-based): chr11:679,792-679,798, ATCTGTC replaced by CCCA on the plus strand (GACAGAT replaced by TGGG on the coding strand, the reverse complement: DEAF1 is on the minus strand). VCF-style: chr11-679792-ATCTGTC-CCCA. GRCh37 (hg19) VCF-style: chr11-679792-ATCTGTC-CCCA.
Other names: c.749_755delGACAGATinsTGGG, p.Gly250_Ile252delinsValGly (NM_001293634.2); c.290_296delinsTGGG, p.Gly97_Ile99delinsValGly (NM_001367390.1).
Identifiers: ClinVar variation 2581977 (VCV002581977.2), dbSNP rs2494410040, ClinGen allele CA2582341854.

ClinVar aggregate classification (germline): Uncertain significance. Review status: criteria provided, multiple submitters, no conflicts (2 of 4 stars). 2 submissions from 2 submitters: Uncertain significance (2). Last evaluated 2025-02-26.

Conditions:
Intellectual disability, autosomal dominant 24 (VSVS). Also called: VULTO-VAN SILFHOUT-DE VRIES SYNDROME. Identifiers: MedGen C4014414, MONDO:0014357, OMIM 615828.

Submissions (2):

3billion
Classification: Uncertain significance for Intellectual disability, autosomal dominant 24. Last evaluated: 2025-02-26. Review status: criteria provided, single submitter. Criteria: ACMG Guidelines, 2015. Collection method: clinical testing. Allele origin: germline. Affected: yes.

GeneDx
Classification: Uncertain significance. Last evaluated: 2023-03-30. Review status: criteria provided, single submitter. Criteria: GeneDx Variant Classification Process June 2021. Collection method: clinical testing. Allele origin: germline. Affected: yes.
Comment: Not observed at significant frequency in large population cohorts (gnomAD); In-frame deletion of 3 amino acids and insertion of 2 amino acids in a non-repeat region; In silico analysis supports a deleterious effect on protein structure/function; Has not been previously published as pathogenic or benign to our knowledge